The following is an entry in ClinVar:

NM_024596.5(MCPH1):c.2210C>G (p.Ala737Gly)

Genes: MCPH1 (microcephalin 1; plus strand), ANGPT2 (angiopoietin 2; minus strand). Cytogenetic location: 8p23.1.
Variant type: single nucleotide variant.
Coding change: c.2210C>G on transcript NM_024596.5 (MANE Select); coding-DNA position 2210, C replaced by G.
Protein change: p.Ala737Gly; replaces alanine 737 with glycine.
Molecular consequence: missense variant. On other transcripts: 3 prime UTR variant (6), intron variant (1).
Genome position (GRCh38, 1-based): chr8:6,499,925, C>G. VCF-style: chr8-6499925-C-G. GRCh37 (hg19) VCF-style: chr8-6357446-C-G.
Other names: c.*3176G>C (NM_001118887.2, NM_001118888.2, NM_001147.3 and 1 more transcripts); c.*3324G>C (NM_001386336.1, NM_001386337.1); c.2210C>G, p.Ala737Gly (NM_001322042.2, NM_001363979.1, NM_001410916.1 and 1 more transcripts); c.1935+44673C>G (NM_001363980.2); short protein forms A737G.
Identifiers: ClinVar variation 435836 (VCV000435836.16), dbSNP rs759545352, ClinGen allele CA4610860.

ClinVar aggregate classification (germline): Uncertain significance. Review status: criteria provided, multiple submitters, no conflicts (2 of 4 stars). 6 submissions from 6 submitters: Uncertain significance (6). Last evaluated 2022-11-29.

Conditions:
Microcephaly 1, primary, autosomal recessive (MCPH1). Also called: PREMATURE CHROMOSOME CONDENSATION SYNDROME; PCC SYNDROME; PREMATURE CHROMOSOME CONDENSATION WITH MICROCEPHALY AND MENTAL RETARDATION. Identifiers: Orphanet 2512, MedGen C1855081, MONDO:0009617, OMIM 251200.
Inborn genetic diseases. Identifiers: MedGen C0950123, MeSH D030342.

Allele frequency attached by ClinVar (database versions not stated): TOPMed 0.00010; gnomAD 0.00011; ExAC 0.00012; gnomAD exomes 0.00012.
gnomAD v4.1: 138 of 1,613,210 alleles (0.0086%); highest among the groups gnomAD compares: Middle Eastern, 0.17%; 1 homozygote.

Submissions (6):

GeneDx
Classification: Uncertain significance. Last evaluated: 2022-11-29. Review status: criteria provided, single submitter. Criteria: GeneDx Variant Classification Process June 2021. Collection method: clinical testing. Allele origin: germline. Affected: yes.
Comment: In silico analysis supports that this missense variant has a deleterious effect on protein structure/function; Has not been previously published as pathogenic or benign to our knowledge

Labcorp Genetics (formerly Invitae), Labcorp
Classification: Uncertain significance. Last evaluated: 2022-08-22. Review status: criteria provided, single submitter. Criteria: Invitae Variant Classification Sherloc (09022015). Collection method: clinical testing. Allele origin: germline.
Comment: This sequence change replaces alanine, which is neutral and non-polar, with glycine, which is neutral and non-polar, at codon 737 of the MCPH1 protein (p.Ala737Gly). This variant is present in population databases (rs759545352, gnomAD 0.04%). This variant has not been reported in the literature in individuals affected with MCPH1-related conditions. ClinVar contains an entry for this variant (Variation ID: 435836). Algorithms developed to predict the effect of missense changes on protein structure and function are either unavailable or do not agree on the potential impact of this missense change (SIFT: "Not Available"; PolyPhen-2: "Probably Damaging"; Align-GVGD: "Not Available"). In summary, the available evidence is currently insufficient to determine the role of this variant in disease. Therefore, it has been classified as a Variant of Uncertain Significance.

Revvity Omics, Revvity
Classification: Uncertain significance for Microcephaly 1, primary, autosomal recessive. Last evaluated: 2021-06-30. Review status: criteria provided, single submitter. Criteria: ACMG Guidelines, 2015. Collection method: clinical testing. Allele origin: germline.

Ambry Genetics
Classification: Uncertain significance for Inborn genetic diseases. Last evaluated: 2020-11-19. Review status: criteria provided, single submitter. Criteria: Ambry Variant Classification Scheme 2023. Collection method: clinical testing. Allele origin: germline.
Comment: The c.2210C>G (p.A737G) alteration is located in exon 12 (coding exon 12) of the MCPH1 gene. This alteration results from a C to G substitution at nucleotide position 2210, causing the alanine (A) at amino acid position 737 to be replaced by a glycine (G). The p.A737G alteration is predicted to be tolerated by in silico analysis. Based on insufficient or conflicting evidence, the clinical significance of this alteration remains unclear.

Genetic Services Laboratory, University of Chicago
Classification: Uncertain significance. Last evaluated: 2016-04-20. Review status: criteria provided, single submitter. Criteria: ACMG Guidelines, 2015. Collection method: clinical testing. Allele origin: germline. Affected: no.

Breakthrough Genomics
Classification: Uncertain significance. Review status: criteria provided, single submitter. Criteria: ACMG Guidelines, 2015. Collection method: not provided. Allele origin: germline. Inheritance: Autosomal recessive inheritance. Affected: yes.